The following is an entry in ClinVar:

NM_000154.2(GALK1):c.406G>C (p.Gly136Arg)

Gene: GALK1 (galactokinase 1; minus strand). Cytogenetic location: 17q25.1.
Variant type: single nucleotide variant.
Coding change: c.406G>C on transcript NM_000154.2 (MANE Select); coding-DNA position 406, G replaced by C.
Protein change: p.Gly136Arg; replaces glycine 136 with arginine.
Molecular consequence: missense variant.
Genome position (GRCh38, 1-based): chr17:75,763,389, C>G on the plus strand (G>C on the coding strand, the complement: GALK1 is on the minus strand). VCF-style: chr17-75763389-C-G. GRCh37 (hg19) VCF-style: chr17-73759470-C-G.
Other names: c.406G>C (NM_000154.1); c.406G>C, p.Gly136Arg (NM_001381985.1); short protein forms G136R.
Identifiers: ClinVar variation 2726464 (VCV002726464.3), dbSNP rs1323337681, ClinGen allele CA401105488.

ClinVar aggregate classification (germline): Conflicting classifications of pathogenicity. Review status: criteria provided, conflicting classifications (1 of 4 stars). 2 submissions from 2 submitters: Likely pathogenic (1); Uncertain significance (1). Last evaluated 2026-01-12.

Conditions:
Deficiency of galactokinase. Also called: GALACTOSEMIA II; Galactokinase deficiency with cataracts. Identifiers: Orphanet 352, Orphanet 79237, MedGen C0268155, MONDO:0009255, OMIM 230200.
Inborn genetic diseases. Identifiers: MedGen C0950123, MeSH D030342.

Allele frequency attached by ClinVar (database versions not stated): gnomAD exomes below 0.00001.
gnomAD v4.1: 5 of 1,612,956 alleles (0.00031%); highest among the groups gnomAD compares: Non-Finnish European, 0.000085%; no homozygotes.

Submissions (2):

Labcorp Genetics (formerly Invitae), Labcorp
Classification: Likely pathogenic for Deficiency of galactokinase. Last evaluated: 2026-01-12. Review status: criteria provided, single submitter. Criteria: Invitae Variant Classification Sherloc (09022015). Collection method: clinical testing. Allele origin: germline.
Comment: This sequence change replaces glycine, which is neutral and non-polar, with arginine, which is basic and polar, at codon 136 of the GALK1 protein (p.Gly136Arg). This variant is not present in population databases (gnomAD no frequency). This missense change has been observed in individuals with clinical features of galactokinase deficiency (internal data). ClinVar contains an entry for this variant (Variation ID: 2726464). Invitae Evidence Modeling of protein sequence and biophysical properties (such as structural, functional, and spatial information, amino acid conservation, physicochemical variation, residue mobility, and thermodynamic stability) indicates that this missense variant is expected to disrupt GALK1 protein function with a positive predictive value of 80%. In summary, the currently available evidence indicates that the variant is pathogenic, but additional data are needed to prove that conclusively. Therefore, this variant has been classified as Likely Pathogenic.

Ambry Genetics
Classification: Uncertain significance for Inborn genetic diseases. Last evaluated: 2025-11-26. Review status: criteria provided, single submitter. Criteria: Ambry Variant Classification Scheme 2023. Collection method: clinical testing. Allele origin: germline.